The following is an entry in ClinVar:

NM_020964.3(EPG5):c.2656G>T (p.Val886Leu)

Gene: EPG5 (ectopic P-granules 5 autophagy tethering factor; minus strand). Cytogenetic location: 18q21.1.
Variant type: single nucleotide variant.
Coding change: c.2656G>T on transcript NM_020964.3 (MANE Select); coding-DNA position 2656, G replaced by T.
Protein change: p.Val886Leu; replaces valine 886 with leucine.
Molecular consequence: missense variant.
Genome position (GRCh38, 1-based): chr18:45,925,800, C>A on the plus strand (G>T on the coding strand, the complement: EPG5 is on the minus strand). VCF-style: chr18-45925800-C-A. GRCh37 (hg19) VCF-style: chr18-43505766-C-A.
Other names: c.2656G>T, p.Val886Leu (NM_001410858.1, NM_001410859.1); short protein forms V886L.
Identifiers: ClinVar variation 2197921 (VCV002197921.1), dbSNP rs761994856, ClinGen allele CA8949375.

ClinVar aggregate classification (germline): Uncertain significance (1 of 4 stars; one submission).

Conditions:
Vici syndrome (VICIS). Identifiers: Orphanet 1493, MedGen C1855772, MONDO:0009452, OMIM 242840.

Allele frequency attached by ClinVar (database versions not stated): ExAC 0.00001.

Submission:

Labcorp Genetics (formerly Invitae), Labcorp
Classification: Uncertain significance for Vici syndrome. Last evaluated: 2022-07-23. Review status: criteria provided, single submitter. Criteria: Invitae Variant Classification Sherloc (09022015). Collection method: clinical testing. Allele origin: germline.
Comment: This sequence change replaces valine, which is neutral and non-polar, with leucine, which is neutral and non-polar, at codon 886 of the EPG5 protein (p.Val886Leu). This variant is not present in population databases (gnomAD no frequency). This variant has not been reported in the literature in individuals affected with EPG5-related conditions. Algorithms developed to predict the effect of missense changes on protein structure and function (SIFT, PolyPhen-2, Align-GVGD) all suggest that this variant is likely to be tolerated. In summary, the available evidence is currently insufficient to determine the role of this variant in disease. Therefore, it has been classified as a Variant of Uncertain Significance.